The following is an entry in ClinVar:

ClinVar aggregate classification (germline): Uncertain significance (1 of 4 stars; one submission).

Conditions:
Brugada syndrome. Also called: Sudden unexpected nocturnal death syndrome; Sudden Unexplained Death Syndrome; Sudden Unexplained Nocturnal Death Syndrome (SUNDS); Sudden unexplained nocturnal death syndrome. Identifiers: Orphanet 130, MedGen C1142166, MONDO:0015263.

Allele frequency attached by ClinVar (database versions not stated): ExAC 0.00001; gnomAD exomes 0.00001.
gnomAD v4.1: 4 of 1,614,158 alleles (0.00025%); highest among the groups gnomAD compares: Admixed American, 0.005%; no homozygotes.

Submission:

Labcorp Genetics (formerly Invitae), Labcorp
Classification: Uncertain significance for Brugada syndrome. Last evaluated: 2024-05-23. Review status: criteria provided, single submitter. Criteria: Invitae Variant Classification Sherloc (09022015). Collection method: clinical testing. Allele origin: germline.
Comment: This sequence change affects an acceptor splice site in intron 20 of the SCN10A gene. It is expected to disrupt RNA splicing. Variants that disrupt the donor or acceptor splice site typically lead to a loss of protein function (PMID: 16199547), however the current clinical and genetic evidence is not sufficient to establish whether loss-of-function variants in SCN10A cause disease. This variant is present in population databases (rs768207163, gnomAD 0.009%). This variant has not been reported in the literature in individuals affected with SCN10A-related conditions. ClinVar contains an entry for this variant (Variation ID: 937392). Algorithms developed to predict the effect of sequence changes on RNA splicing suggest that this variant may disrupt the consensus splice site. In summary, the available evidence is currently insufficient to determine the role of this variant in disease. Therefore, it has been classified as a Variant of Uncertain Significance.

Literature cited by the submitters: PubMed 16199547.

NM_006514.4(SCN10A):c.3682-2A>T

Gene: SCN10A (sodium voltage-gated channel alpha subunit 10; minus strand). Cytogenetic location: 3p22.2.
Variant type: single nucleotide variant.
Coding change: c.3682-2A>T on transcript NM_006514.4 (MANE Select); the canonical splice acceptor site of the intron before coding-DNA position 3682, A replaced by T.
Molecular consequence: splice acceptor variant.
Genome position (GRCh38, 1-based): chr3:38,714,082, T>A on the plus strand (A>T on the coding strand, the complement: SCN10A is on the minus strand). VCF-style: chr3-38714082-T-A. GRCh37 (hg19) VCF-style: chr3-38755573-T-A.
Other names: c.3388-2A>T (NM_001293307.2); c.3679-2A>T (NM_001293306.2).
Identifiers: ClinVar variation 937392 (VCV000937392.7), dbSNP rs768207163, ClinGen allele CA2320152.